The following is an entry in ClinVar:

NM_004260.4(RECQL4):c.2216_2217del (p.Thr739fs)

Gene: RECQL4 (RecQ like helicase 4; minus strand). Cytogenetic location: 8q24.3.
Variant type: Deletion.
Coding change: c.2216_2217del on transcript NM_004260.4 (MANE Select); coding-DNA positions 2216 to 2217, 2 bases deleted (CC; older notation c.2216_2217delCC).
Protein change: p.Thr739fs; shifts the reading frame from threonine 739.
Molecular consequence: frameshift variant. On other transcripts: non-coding transcript variant (3).
Genome position (GRCh38, 1-based): chr8:144,513,464-144,513,465, GG deleted on the plus strand (CC on the coding strand, the reverse complement: RECQL4 is on the minus strand). VCF-style (leftmost placement, unchanged base first): chr8-144513463-TGG-T. GRCh37 (hg19) VCF-style: chr8-145738847-TGG-T.
Other names: c.1145_1146del, p.Thr382fs (NM_001413024.1, NM_001413028.1, NM_001413021.1 and 6 more transcripts); c.2087_2088del, p.Thr696fs (NM_001413025.1); c.1079_1080del, p.Thr360fs (NM_001413027.1, NM_001413030.1, NM_001413032.1 and 1 more transcripts); c.1865_1866del, p.Thr622fs (NM_001413029.1); c.947_948del, p.Thr316fs (NM_001413031.1); c.2084_2085del, p.Thr695fs (NM_001413033.1); c.2120_2121del, p.Thr707fs (NM_001413017.1, NM_001413020.1); c.2216_2217del, p.Thr739fs (NM_001413018.1, NM_001413019.1, NM_001413036.1); and 4 more; short protein forms T622fs, T338fs, T382fs, T707fs, T729fs, T250fs, T316fs, T360fs.
Identifiers: ClinVar variation 3020770 (VCV003020770.3), dbSNP rs2538014296, ClinGen allele CA2689126574.

ClinVar aggregate classification (germline): Pathogenic (1 of 4 stars; one submission).

Conditions:
Baller-Gerold syndrome (BGS). Also called: CRANIOSYNOSTOSIS WITH RADIAL DEFECTS. Identifiers: Orphanet 1225, MedGen C0265308, MONDO:0009039, OMIM 218600.

Allele frequency attached by ClinVar (database versions not stated): gnomAD exomes below 0.00001.

Submission:

Labcorp Genetics (formerly Invitae), Labcorp
Classification: Pathogenic for Baller-Gerold syndrome. Last evaluated: 2023-03-26. Review status: criteria provided, single submitter. Criteria: Invitae Variant Classification Sherloc (09022015). Collection method: clinical testing. Allele origin: germline.
Comment: For these reasons, this variant has been classified as Pathogenic. This variant has not been reported in the literature in individuals affected with RECQL4-related conditions. This variant is not present in population databases (gnomAD no frequency). This sequence change creates a premature translational stop signal (p.Thr739Asnfs*69) in the RECQL4 gene. It is expected to result in an absent or disrupted protein product. Loss-of-function variants in RECQL4 are known to be pathogenic (PMID: 12734318, 12952869).

Literature cited by the submitters: PubMed 12734318; PubMed 12952869.